The following is an entry in ClinVar:

NM_032119.4(ADGRV1):c.5059C>T (p.Pro1687Ser)

Gene: ADGRV1 (adhesion G protein-coupled receptor V1; plus strand). Cytogenetic location: 5q14.3.
Variant type: single nucleotide variant.
Coding change: c.5059C>T on transcript NM_032119.4 (MANE Select); coding-DNA position 5059, C replaced by T.
Protein change: p.Pro1687Ser; replaces proline 1687 with serine.
Molecular consequence: missense variant. On other transcripts: non-coding transcript variant (1).
Genome position (GRCh38, 1-based): chr5:90,674,183, C>T. VCF-style: chr5-90674183-C-T. GRCh37 (hg19) VCF-style: chr5-89970000-C-T.
Other names: c.5059C>T (NM_032119.3); short protein forms P1687S.
Identifiers: ClinVar variation 1421077 (VCV001421077.7), dbSNP rs369549134, ClinGen allele CA3339471.

ClinVar aggregate classification (germline): Uncertain significance. Review status: criteria provided, multiple submitters, no conflicts (2 of 4 stars). 3 submissions from 3 submitters: Uncertain significance (3). Last evaluated 2025-09-26.

Conditions:
Inborn genetic diseases. Identifiers: MedGen C0950123, MeSH D030342.

Allele frequency attached by ClinVar (database versions not stated): TOPMed below 0.00001; gnomAD 0.00001; gnomAD exomes 0.00001 and 0.00002; ExAC 0.00002; ESP Exome Variant Server 0.00008.
gnomAD v4.1: 34 of 1,612,372 alleles (0.0021%); highest among the groups gnomAD compares: Non-Finnish European, 0.0025%; no homozygotes.

Submissions (3):

Ambry Genetics
Classification: Uncertain significance for Inborn genetic diseases. Last evaluated: 2025-09-26. Review status: criteria provided, single submitter. Criteria: Ambry Variant Classification Scheme 2023. Collection method: clinical testing. Allele origin: germline.

Blueprint Genetics
Classification: Uncertain significance. Last evaluated: 2023-01-13. Review status: criteria provided, single submitter. Criteria: ACMG Guidelines, 2015. Collection method: clinical testing. Allele origin: germline.

Labcorp Genetics (formerly Invitae), Labcorp
Classification: Uncertain significance. Last evaluated: 2021-08-31. Review status: criteria provided, single submitter. Criteria: Invitae Variant Classification Sherloc (09022015). Collection method: clinical testing. Allele origin: germline.
Comment: This sequence change replaces proline with serine at codon 1687 of the ADGRV1 protein (p.Pro1687Ser). The proline residue is moderately conserved and there is a moderate physicochemical difference between proline and serine. This variant is present in population databases (rs369549134, ExAC 0.003%). This variant has not been reported in the literature in individuals affected with ADGRV1-related conditions. Algorithms developed to predict the effect of missense changes on protein structure and function (SIFT, PolyPhen-2, Align-GVGD) all suggest that this variant is likely to be tolerated. In summary, the available evidence is currently insufficient to determine the role of this variant in disease. Therefore, it has been classified as a Variant of Uncertain Significance.